The following is an entry in ClinVar:

NM_006662.3(SRCAP):c.5370G>T (p.Leu1790Phe)

Gene: SRCAP (Snf2 related CREBBP activator protein; plus strand). Cytogenetic location: 16p11.2.
Variant type: single nucleotide variant.
Coding change: c.5370G>T on transcript NM_006662.3 (MANE Select); coding-DNA position 5370, G replaced by T.
Protein change: p.Leu1790Phe; replaces leucine 1790 with phenylalanine.
Molecular consequence: missense variant.
Genome position (GRCh38, 1-based): chr16:30,724,794, G>T. VCF-style: chr16-30724794-G-T. GRCh37 (hg19) VCF-style: chr16-30736115-G-T.
Other names: short protein forms L1790F.
Identifiers: ClinVar variation 3667396 (VCV003667396.2).
Genomic context (GRCh38, chr16:30,724,794, plus strand): 5'-GGCTCCAGCATCGTCATCTGCTTCACTCCTGGCCCCAGCTTCAGTGCAGACACTGACCTT[G>T]AGCCCTGCCCCAGTTCCTACCCTGGGCCCGGCCGCAGCTCAGACCTTGGCGCTGGCCCCA-3'
Protein context (NP_006653.2, residues 1780-1800): LAPASVQTLT[Leu1790Phe]SPAPVPTLGP

ClinVar aggregate classification (germline): Uncertain significance (1 of 4 stars; one submission).

gnomAD v4.1: 1 of 1,613,254 alleles (0.000062%); highest among the groups gnomAD compares: South Asian, 0.0011%; no homozygotes.

Submission:

Labcorp Genetics (formerly Invitae), Labcorp
Classification: Uncertain significance. Last evaluated: 2024-10-16. Review status: criteria provided, single submitter. Criteria: Invitae Variant Classification Sherloc (09022015). Collection method: clinical testing. Allele origin: germline.
Comment: This sequence change replaces leucine, which is neutral and non-polar, with phenylalanine, which is neutral and non-polar, at codon 1790 of the SRCAP protein (p.Leu1790Phe). This variant is not present in population databases (gnomAD no frequency). This variant has not been reported in the literature in individuals affected with SRCAP-related conditions. Invitae Evidence Modeling of protein sequence and biophysical properties (such as structural, functional, and spatial information, amino acid conservation, physicochemical variation, residue mobility, and thermodynamic stability) indicates that this missense variant is not expected to disrupt SRCAP protein function with a negative predictive value of 80%. In summary, the available evidence is currently insufficient to determine the role of this variant in disease. Therefore, it has been classified as a Variant of Uncertain Significance.